The following is an entry in ClinVar:

ClinVar aggregate classification (germline): Uncertain significance (1 of 4 stars; one submission).

Allele frequency attached by ClinVar (database versions not stated): ExAC 0.00002; gnomAD 0.00001; TOPMed 0.00001.
gnomAD v4.1: 13 of 1,610,746 alleles (0.00081%); highest among the groups gnomAD compares: South Asian, 0.0033%; no homozygotes.

Submission:

Ambry Genetics
Classification: Uncertain significance. Last evaluated: 2025-04-10. Review status: criteria provided, single submitter. Criteria: Ambry Variant Classification Scheme 2023. Collection method: clinical testing. Allele origin: germline.

NM_005884.5(PAK4):c.1730C>T (p.Pro577Leu)

Gene: PAK4 (p21 (RAC1) activated kinase 4; plus strand). Cytogenetic location: 19q13.2.
Variant type: single nucleotide variant.
Coding change: c.1730C>T on transcript NM_005884.5 (MANE Select); coding-DNA position 1730, C replaced by T.
Protein change: p.Pro577Leu; replaces proline 577 with leucine.
Molecular consequence: missense variant.
Genome position (GRCh38, 1-based): chr19:39,178,533, C>T. VCF-style: chr19-39178533-C-T. GRCh37 (hg19) VCF-style: chr19-39669173-C-T.
Other names: c.1730C>T, p.Pro577Leu (NM_001014831.3, NM_001014832.2, NM_001394501.1); c.1271C>T, p.Pro424Leu (NM_001014834.3, NM_001014835.2); c.1730C>T (NM_001014831.2); short protein forms P424L, P577L.
Identifiers: ClinVar variation 3064061 (VCV003064061.3), dbSNP rs762977178, ClinGen allele CA9425365.